The following is an entry in ClinVar:

ClinVar aggregate classification (germline): Pathogenic (1 of 4 stars; one submission).

Submission:

GeneDx
Classification: Pathogenic. Last evaluated: 2023-08-18. Review status: criteria provided, single submitter. Criteria: GeneDx Variant Classification Process June 2021. Collection method: clinical testing. Allele origin: germline. Affected: yes.
Comment: Frameshift variant predicted to result in protein truncation or nonsense mediated decay in a gene for which loss of function is a known mechanism of disease; Not observed at significant frequency in large population cohorts (gnomAD); Truncating variants in this gene are considered pathogenic by a well-established clinical consortium and/or database; Has not been previously published as pathogenic or benign to our knowledge; Also known as 5246_5247dup

NM_000059.4(BRCA2):c.5018_5019dup (p.Ser1674fs)

Gene: BRCA2 (BRCA2 DNA repair associated; plus strand). Cytogenetic location: 13q13.1.
Variant type: Microsatellite.
Coding change: c.5018_5019dup on transcript NM_000059.4 (MANE Select); coding-DNA positions 5018 to 5019, 2 bases duplicated (CA; older notation c.5018_5019dupCA).
Protein change: p.Ser1674fs; shifts the reading frame from serine 1674.
Molecular consequence: frameshift variant. On other transcripts: non-coding transcript variant (1), intron variant (2).
Genome position (GRCh38, 1-based): chr13:32,339,373-32,339,374, CA duplicated; duplicating any 2 consecutive bases within chr13:32,339,370-32,339,374 gives the same sequence; the c. name uses the placement nearest the transcript's 3' end. VCF-style (leftmost placement, unchanged base first): chr13-32339369-T-TAC. GRCh37 (hg19) VCF-style: chr13-32913506-T-TAC.
Other names: c.5016_5017CA[3], p.Ser1674Glnfs (NM_000059.3); c.5018_5019dup, p.Ser1674fs (NM_001406719.1, NM_001406720.1, NM_001432077.1); c.1910-5188AC[3] (NM_001406721.1); c.425-5188AC[3] (NM_001406722.1); c.5018_5019dup (NM_000059.3); short protein forms S1674fs.
Identifiers: ClinVar variation 3340307 (VCV003340307.1).